The following is an entry in ClinVar:

ClinVar aggregate classification (germline): Uncertain significance (1 of 4 stars; one submission).

Submission:

CeGaT Center for Human Genetics Tuebingen
Classification: Uncertain significance. Last evaluated: 2024-05-01. Review status: criteria provided, single submitter. Criteria: CeGaT Center For Human Genetics Tuebingen Variant Classification Criteria Version 2. Collection method: clinical testing. Allele origin: germline. Affected: yes. Observed: 1 variant allele.
Comment: CACNA1B: PM2, PP3

NM_000718.4(CACNA1B):c.677T>C (p.Ile226Thr)

Gene: CACNA1B (calcium voltage-gated channel subunit alpha1 B; plus strand). Cytogenetic location: 9q34.3.
Variant type: single nucleotide variant.
Coding change: c.677T>C on transcript NM_000718.4 (MANE Select); coding-DNA position 677, T replaced by C.
Protein change: p.Ile226Thr; replaces isoleucine 226 with threonine.
Molecular consequence: missense variant.
Genome position (GRCh38, 1-based): chr9:137,914,708, T>C. VCF-style: chr9-137914708-T-C. GRCh37 (hg19) VCF-style: chr9-140809160-T-C.
Other names: c.677T>C, p.Ile226Thr (NM_001243812.2); short protein forms I226T.
Identifiers: ClinVar variation 3239600 (VCV003239600.19), dbSNP rs201810627.